The following is an entry in ClinVar:

ClinVar aggregate classification (germline): Conflicting classifications of pathogenicity. Review status: criteria provided, conflicting classifications (1 of 4 stars). 3 submissions from 3 submitters: Likely pathogenic (1); Uncertain significance (2). Last evaluated 2025-03-11.

Conditions:
Capillary malformation-arteriovenous malformation 2 (CMAVM2). Identifiers: Orphanet 693912, MedGen C4748670, MONDO:0020785, OMIM 618196.

Allele frequency attached by ClinVar (database versions not stated): gnomAD exomes below 0.00001.
gnomAD v4.1: 1 of 1,551,228 alleles (0.000064%); no homozygotes.

Submissions (3):

Labcorp Genetics (formerly Invitae), Labcorp
Classification: Uncertain significance. Last evaluated: 2025-03-11. Review status: criteria provided, single submitter. Criteria: Invitae Variant Classification Sherloc (09022015). Collection method: clinical testing. Allele origin: germline.
Comment: This sequence change replaces phenylalanine, which is neutral and non-polar, with leucine, which is neutral and non-polar, at codon 867 of the EPHB4 protein (p.Phe867Leu). This variant is not present in population databases (gnomAD no frequency). This missense change has been observed in individual(s) with clinical features of autosomal dominant capillary malformation-arteriovenous malformations (PMID: 30578106; external communication). ClinVar contains an entry for this variant (Variation ID: 691536). Invitae Evidence Modeling of protein sequence and biophysical properties (such as structural, functional, and spatial information, amino acid conservation, physicochemical variation, residue mobility, and thermodynamic stability) has been performed for this missense variant. However, the output from this modeling did not meet the statistical confidence thresholds required to predict the impact of this variant on EPHB4 protein function. Experimental studies have shown that this missense change affects EPHB4 function (PMID: 30578106). In summary, the available evidence is currently insufficient to determine the role of this variant in disease. Therefore, it has been classified as a Variant of Uncertain Significance.

Blueprint Genetics
Classification: Uncertain significance. Last evaluated: 2020-12-30. Review status: criteria provided, single submitter. Criteria: ACMG Guidelines, 2015. Collection method: clinical testing. Allele origin: germline.

SIB Swiss Institute of Bioinformatics
Classification: Likely pathogenic for Capillary malformation-arteriovenous malformation 2. Last evaluated: 2019-03-29. Review status: criteria provided, single submitter. Criteria: ACMG Guidelines, 2015. Collection method: curation. Allele origin: unknown.
Comment: This variant is interpreted as a Likely pathogenic for Capillary malformation-arteriovenous malformation 2. The following ACMG Tag(s) were applied: PM2: Absent from controls (or at extremely low frequency if recessive) in Exome Sequencing Project, 1000 Genomes Project, or Exome Aggregation Consortium. PM1: Located in a mutational hot spot and/or critical and well-established functional domain (e.g.,active site of an enzyme) without benign variation. PP3: Multiple lines of computational evidence support a deleterious effect on the gene or gene product. PS3: Well-established functional studies show a deleterious effect.

Literature cited by the submitters: PubMed 30578106 (cited by Labcorp Genetics (formerly Invitae), Labcorp and SIB Swiss Institute of Bioinformatics).

NM_004444.5(EPHB4):c.2599T>C (p.Phe867Leu)

Genes: EPHB4 (EPH receptor B4; minus strand), LOC126860124 (CDK7 strongly-dependent group 2 enhancer GRCh37_chr7:100403701-100404900; plus strand). Cytogenetic location: 7q22.1.
Variant type: single nucleotide variant.
Coding change: c.2599T>C on transcript NM_004444.5 (MANE Select); coding-DNA position 2599, T replaced by C.
Protein change: p.Phe867Leu; replaces phenylalanine 867 with leucine.
Molecular consequence: missense variant.
Genome position (GRCh38, 1-based): chr7:100,805,580, A>G on the plus strand (T>C on the coding strand, the complement: EPHB4 is on the minus strand). VCF-style: chr7-100805580-A-G. GRCh37 (hg19) VCF-style: chr7-100403202-A-G.
Other names: short protein forms F867L.
Identifiers: ClinVar variation 691536 (VCV000691536.5), dbSNP rs1584652949, ClinGen allele CA368566928.